The following is an entry in ClinVar:

NM_000077.5(CDKN2A):c.201C>A (p.Gly67=)

Gene: CDKN2A (cyclin dependent kinase inhibitor 2A; minus strand). Cytogenetic location: 9p21.3.
Variant type: single nucleotide variant.
Coding change: c.201C>A on transcript NM_000077.5; coding-DNA position 201, C replaced by A.
Protein change: p.Gly67=; no amino-acid change (glycine 67 retained).
Molecular consequence: synonymous variant (on NM_000077.6). On other transcripts: missense variant (1), 3 prime UTR variant (1).
Genome position (GRCh38, 1-based): chr9:21,971,158, G>T on the plus strand (C>A on the coding strand, the complement: CDKN2A is on the minus strand). VCF-style: chr9-21971158-G-T. GRCh37 (hg19) VCF-style: chr9-21971157-G-T.
Other names: c.201C>A, p.Gly67= (NM_000077.6, NM_001195132.2); c.48C>A, p.Gly16= (NM_001363763.2); c.244C>A, p.Arg82Ser (NM_058195.4); c.*124C>A (NM_058197.5); short protein forms R82S.
Identifiers: ClinVar variation 1900938 (VCV001900938.8), dbSNP rs1819719250, ClinGen allele CA373086346.

ClinVar aggregate classification (germline): Conflicting classifications of pathogenicity. Review status: criteria provided, conflicting classifications (1 of 4 stars). 2 submissions from 2 submitters: Uncertain significance (1); Likely benign (1). Last evaluated 2025-08-21.

Conditions:
Familial melanoma. Also called: Hereditary melanoma; Hereditary cutaneous melanoma. Identifiers: Orphanet 618, MedGen C1512419, MONDO:0018961.
Hereditary cancer-predisposing syndrome. Also called: Hereditary neoplastic syndrome; Neoplastic Syndromes, Hereditary; Tumor predisposition; Hereditary Cancer Syndrome. Identifiers: Orphanet 140162, MedGen C0027672, MeSH D009386, MONDO:0015356.

Submissions (2):

Ambry Genetics
Classification: Uncertain significance for Hereditary cancer-predisposing syndrome. Last evaluated: 2025-08-21. Review status: criteria provided, single submitter. Criteria: Ambry Variant Classification Scheme 2023. Collection method: clinical testing. Allele origin: germline.
Comment: The c.201C>A variant (also known as p.G67G), located in coding exon 2 of the CDKN2A gene, results from a C to A substitution at nucleotide position 201. This nucleotide substitution does not change the amnio acid at codon 67 of the p16 isoform. Of note, this variant is also known as p.R82S (c.244C>A) in the p14(ARF) isoform and results from an arginine to serine substitution at amino acid position 82. The evidence supporting a relationship between p14(ARF) and melanoma-pancreatic cancer syndrome is limited; therefore, the association of this variant with this gene-disease relationship is unknown. However, the association of this variant in the p16 isoform with melanoma-pancreatic cancer syndrome is unlikely.

Labcorp Genetics (formerly Invitae), Labcorp
Classification: Likely benign for Familial melanoma. Last evaluated: 2025-01-01. Review status: criteria provided, single submitter. Criteria: Invitae Variant Classification Sherloc (09022015). Collection method: clinical testing. Allele origin: germline.